The following is an entry in ClinVar:

ClinVar aggregate classification (germline): Benign/Likely benign. Review status: criteria provided, multiple submitters, no conflicts (2 of 4 stars). 6 submissions from 6 submitters: Benign (4); Likely benign (2). Last evaluated 2026-01-22.

Conditions:
Inborn genetic diseases. Identifiers: MedGen C0950123, MeSH D030342.
Erythrocytosis, familial, 4 (ECYT4). Identifiers: Orphanet 247511, MedGen C2673187, MONDO:0012729, OMIM 611783.

Allele frequency attached by ClinVar (database versions not stated): ESP Exome Variant Server 0.00008; gnomAD 0.00340 and 0.00344; TOPMed 0.00563; 1000 Genomes Project 0.00499; 1000 Genomes Project 30x 0.00531.
gnomAD v4.1: 2,858 of 1,614,094 alleles (0.18%); highest among the groups gnomAD compares: Admixed American, 3.5%; 42 homozygotes.

Submissions (6):

Labcorp Genetics (formerly Invitae), Labcorp
Classification: Benign. Last evaluated: 2026-01-22. Review status: criteria provided, single submitter. Criteria: Invitae Variant Classification Sherloc (09022015). Collection method: clinical testing. Allele origin: germline.

ARUP Laboratories, Molecular Genetics and Genomics, ARUP Laboratories
Classification: Benign for Erythrocytosis, familial, 4. Last evaluated: 2025-07-28. Review status: criteria provided, single submitter. Criteria: ARUP Molecular Germline Variant Investigation Process 2024. Collection method: clinical testing. Allele origin: germline.

Mayo Clinic Laboratories, Mayo Clinic
Classification: Likely benign. Last evaluated: 2025-01-28. Review status: criteria provided, single submitter. Criteria: ACMG Guidelines, 2015. Collection method: clinical testing. Allele origin: germline. Observed: 3 variant alleles.
Comment: BS1, BP4, BP7

Ambry Genetics
Classification: Likely benign for Inborn genetic diseases. Last evaluated: 2022-02-12. Review status: criteria provided, single submitter. Criteria: Ambry Variant Classification Scheme 2023. Collection method: clinical testing. Allele origin: germline.

Illumina Laboratory Services, Illumina
Classification: Benign for Erythrocytosis, familial, 4. Last evaluated: 2018-01-13. Review status: criteria provided, single submitter. Criteria: ICSL Variant Classification Criteria 13 December 2019. Collection method: clinical testing. Allele origin: germline.
Comment: This variant was observed in the ICSL laboratory as part of a predisposition screen in an ostensibly healthy population. It had not been previously curated by ICSL or reported in the Human Gene Mutation Database (HGMD: prior to June 1st, 2018), and was therefore a candidate for classification through an automated scoring system. Utilizing variant allele frequency, disease prevalence and penetrance estimates, and inheritance mode, an automated score was calculated to assess if this variant is too frequent to cause the disease. Based on the score and internal cut-off values, a variant classified as benign is not then subjected to further curation. The score for this variant resulted in a classification of benign for this disease.

Breakthrough Genomics
Classification: Benign. Review status: criteria provided, single submitter. Criteria: ACMG Guidelines, 2015. Collection method: not provided. Allele origin: germline. Inheritance: Autosomal dominant inheritance. Affected: yes.

Literature cited by the submitters: PubMed 24363938 (cited by Mayo Clinic Laboratories, Mayo Clinic).

NM_001430.5(EPAS1):c.1737G>A (p.Pro579=)

Gene: EPAS1 (endothelial PAS domain protein 1; plus strand). Cytogenetic location: 2p21.
Variant type: single nucleotide variant.
Coding change: c.1737G>A on transcript NM_001430.5 (MANE Select); coding-DNA position 1737, G replaced by A.
Protein change: p.Pro579=; no amino-acid change (proline 579 retained).
Molecular consequence: synonymous variant.
Genome position (GRCh38, 1-based): chr2:46,380,409, G>A. VCF-style: chr2-46380409-G-A. GRCh37 (hg19) VCF-style: chr2-46607548-G-A.
Other names: p.Pro579=.
Identifiers: ClinVar variation 336266 (VCV000336266.14), dbSNP rs184760160, ClinGen allele CA1645097.